The following is an entry in ClinVar:

ClinVar aggregate classification (germline): Uncertain significance (0 of 4 stars; one submission).

Conditions:
GIGYF2-related disorder. Also called: GIGYF2-related condition.

Submission:

PreventionGenetics, part of Exact Sciences
Classification: Uncertain significance for GIGYF2-related condition. Last evaluated: 2024-01-10. Review status: no assertion criteria provided. Collection method: clinical testing. Allele origin: germline.
Comment: The GIGYF2 c.2728C>T variant is predicted to result in premature protein termination (p.Gln910*). To our knowledge, this variant has not been reported in the literature or in a large population database, indicating this variant is rare. Loss-of-function has not been established as a disease mechanism for this gene, and therefore the clinical significance of this variant is currently uncertain due to the absence of conclusive functional and genetic evidence.

NM_001103146.3(GIGYF2):c.2728C>T (p.Gln910Ter)

Gene: GIGYF2 (GRB10 interacting GYF protein 2; plus strand). Cytogenetic location: 2q37.1.
Variant type: single nucleotide variant.
Coding change: c.2728C>T on transcript NM_001103146.3 (MANE Select); coding-DNA position 2728, C replaced by T.
Protein change: p.Gln910Ter; replaces glutamine 910 with a stop codon.
Molecular consequence: nonsense. On other transcripts: non-coding transcript variant (1).
Genome position (GRCh38, 1-based): chr2:232,833,055, C>T. VCF-style: chr2-232833055-C-T. GRCh37 (hg19) VCF-style: chr2-233697765-C-T.
Other names: c.2791C>T, p.Gln931Ter (NM_001103147.2); c.2710C>T, p.Gln904Ter (NM_001103148.2); c.2728C>T, p.Gln910Ter (NM_015575.4); short protein forms Q904*, Q910*, Q931*.
Identifiers: ClinVar variation 3028971 (VCV003028971.2), dbSNP rs2469969783, ClinGen allele CA351026319.